The following is an entry in ClinVar:

NM_020693.4(DSCAML1):c.5705C>T (p.Pro1902Leu)

Gene: DSCAML1 (DS cell adhesion molecule like 1; minus strand). Cytogenetic location: 11q23.3.
Variant type: single nucleotide variant.
Coding change: c.5705C>T on transcript NM_020693.4 (MANE Select); coding-DNA position 5705, C replaced by T.
Protein change: p.Pro1902Leu; replaces proline 1902 with leucine.
Molecular consequence: missense variant.
Genome position (GRCh38, 1-based): chr11:117,428,785, G>A on the plus strand (C>T on the coding strand, the complement: DSCAML1 is on the minus strand). VCF-style: chr11-117428785-G-A. GRCh37 (hg19) VCF-style: chr11-117299501-G-A.
Other names: short protein forms P1902L.
Identifiers: ClinVar variation 2247339 (VCV002247339.5), dbSNP rs755465641, ClinGen allele CA229392305.

ClinVar aggregate classification (germline): Uncertain significance. Review status: criteria provided, multiple submitters, no conflicts (2 of 4 stars). 2 submissions from 2 submitters: Uncertain significance (2). Last evaluated 2023-01-17.

Allele frequency attached by ClinVar (database versions not stated): TOPMed below 0.00001; gnomAD exomes 0.00001.
gnomAD v4.1: 4 of 1,605,620 alleles (0.00025%); highest among the groups gnomAD compares: East Asian, 0.0089%; no homozygotes.

Submissions (2):

Labcorp Genetics (formerly Invitae), Labcorp
Classification: Uncertain significance. Last evaluated: 2023-01-17. Review status: criteria provided, single submitter. Criteria: Invitae Variant Classification Sherloc (09022015). Collection method: clinical testing. Allele origin: germline.
Comment: This variant has not been reported in the literature in individuals affected with DSCAML1-related conditions. In summary, the available evidence is currently insufficient to determine the role of this variant in disease. Therefore, it has been classified as a Variant of Uncertain Significance. Algorithms developed to predict the effect of missense changes on protein structure and function are either unavailable or do not agree on the potential impact of this missense change (SIFT: "Deleterious"; PolyPhen-2: "Probably Damaging"; Align-GVGD: "Class C0"). The frequency data for this variant in the population databases is considered unreliable, as metrics indicate poor data quality at this position in the gnomAD database. This sequence change replaces proline, which is neutral and non-polar, with leucine, which is neutral and non-polar, at codon 1962 of the DSCAML1 protein (p.Pro1962Leu).

Ambry Genetics
Classification: Uncertain significance. Last evaluated: 2021-08-30. Review status: criteria provided, single submitter. Criteria: Ambry Variant Classification Scheme 2023. Collection method: clinical testing. Allele origin: germline.